The following is an entry in ClinVar:

NM_000427.3(LORICRIN):c.619G>A (p.Gly207Ser)

Genes: LORICRIN (loricrin cornified envelope precursor protein; plus strand), LOC129931468 (ATAC-STARR-seq lymphoblastoid silent region 1338; plus strand). Cytogenetic location: 1q21.3.
Variant type: single nucleotide variant.
Coding change: c.619G>A on transcript NM_000427.3 (MANE Select); coding-DNA position 619, G replaced by A.
Protein change: p.Gly207Ser; replaces glycine 207 with serine.
Molecular consequence: missense variant.
Genome position (GRCh38, 1-based): chr1:153,261,568, G>A. VCF-style: chr1-153261568-G-A. GRCh37 (hg19) VCF-style: chr1-153234044-G-A.
Other names: short protein forms G207S.
Identifiers: ClinVar variation 1048924 (VCV001048924.1), dbSNP rs769843541, ClinGen allele CA1114346.
Genomic context (GRCh38, chr1:153,261,568, plus strand): 5'-TGCGGCTACTCTGGCGGCGGCTCTGGCTGCGGCGGAGGCTCCTCTGGCGGCAGCGGCTCC[G>A]GCTACGTCTCCTCGCAGCAGGTCACTCAGACCTCGTGCGCGCCCCAGCCGAGTTACGGAG-3'
Protein context (NP_000418.2, residues 197-217): GGGSSGGSGS[Gly207Ser]YVSSQQVTQT

ClinVar aggregate classification (germline): Uncertain significance (0 of 4 stars; one submission).

Allele frequency attached by ClinVar (database versions not stated): ExAC 0.00009.
gnomAD v4.1: 17 of 1,516,804 alleles (0.0011%); highest among the groups gnomAD compares: South Asian, 0.012%; no homozygotes.

Submission:

Department of Pathology and Laboratory Medicine, Sinai Health System
Classification: Uncertain significance. Review status: no assertion criteria provided. Collection method: clinical testing. Allele origin: unknown. Affected: yes. Study: The Canadian Open Genetics Repository (COGR).
Comment: The LOR p.Gly207Ser variant was not identified in the literature nor was it identified in ClinVar. The variant was identified in dbSNP (ID: rs769843541) and in control databases in 5 of 111902 chromosomes at a frequency of 0.00004468 (Genome Aggregation Database March 6, 2019, v2.1.1). The variant was observed in the South Asian population in 5 of 20722 chromosomes (freq: 0.000241), but was not observed in the African, Latino, Ashkenazi Jewish, East Asian, European (Finnish), European (non-Finnish), or Other populations. The p.Gly207 residue is not conserved in mammals and computational analyses (PolyPhen-2, SIFT, AlignGVGD, BLOSUM, MutationTaster) do not suggest a high likelihood of impact to the protein; however, this information is not predictive enough to rule out pathogenicity. The variant occurs outside of the splicing consensus sequence and in silico or computational prediction software programs (SpliceSiteFinder, MaxEntScan, NNSPLICE, GeneSplicer) do not predict a difference in splicing. In summary, based on the above information the clinical significance of this variant cannot be determined with certainty at this time. This variant is classified as a variant of uncertain significance.